The following is an entry in ClinVar:

ClinVar aggregate classification (germline): Uncertain significance. Review status: criteria provided, single submitter (1 of 4 stars). 2 submissions from 2 submitters: Uncertain significance (1). 1 of the submissions does not count toward it. Last evaluated 2022-05-28.

Conditions:
Glycogen storage disease type III (GSD3). Also called: FORBES DISEASE; Cori disease. Identifiers: Orphanet 366, MedGen C0017922, MONDO:0009291, OMIM 232400.

Allele frequency attached by ClinVar (database versions not stated): TOPMed below 0.00001; gnomAD 0.00001; gnomAD exomes 0.00001; ExAC 0.00002; 1000 Genomes Project 30x 0.00016; 1000 Genomes Project 0.00020.
gnomAD v4.1: 8 of 1,612,268 alleles (0.0005%); highest among the groups gnomAD compares: African/African-American, 0.004%; no homozygotes.

Submissions (2):

Labcorp Genetics (formerly Invitae), Labcorp
Classification: Uncertain significance for Glycogen storage disease type III. Last evaluated: 2022-05-28. Review status: criteria provided, single submitter. Criteria: Invitae Variant Classification Sherloc (09022015). Collection method: clinical testing. Allele origin: germline.
Comment: This sequence change replaces isoleucine, which is neutral and non-polar, with valine, which is neutral and non-polar, at codon 1522 of the AGL protein (p.Ile1522Val). This variant is present in population databases (rs556986901, gnomAD 0.01%). This variant has not been reported in the literature in individuals affected with AGL-related conditions. ClinVar contains an entry for this variant (Variation ID: 966555). Algorithms developed to predict the effect of missense changes on protein structure and function (SIFT, PolyPhen-2, Align-GVGD) all suggest that this variant is likely to be tolerated. In summary, the available evidence is currently insufficient to determine the role of this variant in disease. Therefore, it has been classified as a Variant of Uncertain Significance.

Natera, Inc.
Classification: Uncertain significance for Glycogen storage disease type III. Last evaluated: 2020-11-06. Review status: no assertion criteria provided. Collection method: clinical testing. Allele origin: germline. Not counted in ClinVar's aggregate classification.

NM_000642.3(AGL):c.4564A>G (p.Ile1522Val)

Gene: AGL (amylo-alpha-1,6-glucosidase and 4-alpha-glucanotransferase; plus strand). Cytogenetic location: 1p21.2.
Variant type: single nucleotide variant.
Coding change: c.4564A>G on transcript NM_000642.3 (MANE Select); coding-DNA position 4564, A replaced by G.
Protein change: p.Ile1522Val; replaces isoleucine 1522 with valine.
Molecular consequence: missense variant.
Genome position (GRCh38, 1-based): chr1:99,921,616, A>G. VCF-style: chr1-99921616-A-G. GRCh37 (hg19) VCF-style: chr1-100387172-A-G.
Other names: c.4564A>G, p.Ile1522Val (NM_000028.3, NM_000643.3, NM_000644.3 and 1 more transcripts); c.4516A>G, p.Ile1506Val (NM_000646.3); c.4543A>G, p.Ile1515Val (NM_001425326.1); c.4363A>G, p.Ile1455Val (NM_001425327.1); c.4360A>G, p.Ile1454Val (NM_001425328.1); c.4225A>G, p.Ile1409Val (NM_001425329.1); c.4186A>G, p.Ile1396Val (NM_001425332.1); short protein forms I1506V, I1522V, I1396V, I1409V, I1454V, I1455V, I1515V.
Identifiers: ClinVar variation 966555 (VCV000966555.7), dbSNP rs556986901, ClinGen allele CA967473.